The following is an entry in ClinVar:

ClinVar aggregate classification (germline): Uncertain significance. Review status: criteria provided, multiple submitters, no conflicts (2 of 4 stars). 2 submissions from 2 submitters: Uncertain significance (2). Last evaluated 2025-03-23.

Conditions:
Inborn genetic diseases. Identifiers: MedGen C0950123, MeSH D030342.

gnomAD v4.1: 56 of 1,614,100 alleles (0.0035%); highest among the groups gnomAD compares: Non-Finnish European, 0.0039%; no homozygotes.

Submissions (2):

Ambry Genetics
Classification: Uncertain significance for Inborn genetic diseases. Last evaluated: 2025-03-23. Review status: criteria provided, single submitter. Criteria: Ambry Variant Classification Scheme 2023. Collection method: clinical testing. Allele origin: germline.

Mayo Clinic Laboratories, Mayo Clinic
Classification: Uncertain significance. Last evaluated: 2024-06-05. Review status: criteria provided, single submitter. Criteria: ACMG Guidelines, 2015. Collection method: clinical testing. Allele origin: germline. Observed: 1 variant allele.
Comment: BP4, PM1_supporting, PM2

NM_000129.4(F13A1):c.282C>A (p.Asp94Glu)

Gene: F13A1 (coagulation factor XIII A chain; minus strand). Cytogenetic location: 6p25.1.
Variant type: single nucleotide variant.
Coding change: c.282C>A on transcript NM_000129.4 (MANE Select); coding-DNA position 282, C replaced by A.
Protein change: p.Asp94Glu; replaces aspartic acid 94 with glutamic acid.
Molecular consequence: missense variant.
Genome position (GRCh38, 1-based): chr6:6,305,388, G>T on the plus strand (C>A on the coding strand, the complement: F13A1 is on the minus strand). VCF-style: chr6-6305388-G-T. GRCh37 (hg19) VCF-style: chr6-6305621-G-T.
Other names: p.Asp94Glu; short protein forms D94E.
Identifiers: ClinVar variation 3379633 (VCV003379633.2).